The following is an entry in ClinVar:

ClinVar aggregate classification (germline): Likely pathogenic (1 of 4 stars; one submission).

Conditions:
SLC10A1-related disorder. Also called: SLC10A1-related condition.

Submission:

PreventionGenetics, part of Exact Sciences
Classification: Likely pathogenic for SLC10A1-related condition. Last evaluated: 2026-07-17. Review status: criteria provided, single submitter. Criteria: ACMG Guidelines, 2015. Collection method: clinical testing. Allele origin: germline.
Comment: The SLC10A1 c.729_730delCT variant is predicted to result in a frameshift and premature protein termination (p.Phe244Leufs*33). To our knowledge, this variant has not been reported in the literature. This variant is reported in 0.011% of alleles in individuals of East Asian descent in gnomAD. Frameshift variants in SLC10A1 are expected to be pathogenic. This variant is interpreted as likely pathogenic.

NM_003049.4(SLC10A1):c.729_730del (p.Phe244fs)

Gene: SLC10A1 (solute carrier family 10 member 1; minus strand). Cytogenetic location: 14q24.1.
Variant type: Microsatellite.
Coding change: c.729_730del on transcript NM_003049.4 (MANE Select); coding-DNA positions 729 to 730, 2 bases deleted (CT; older notation c.729_730delCT).
Protein change: p.Phe244fs; shifts the reading frame from phenylalanine 244.
Molecular consequence: frameshift variant.
Genome position (GRCh38, 1-based): chr14:69,779,198-69,779,199, AG deleted on the plus strand (CT on the coding strand, the reverse complement: SLC10A1 is on the minus strand); deleting any 2 consecutive bases within chr14:69,779,198-69,779,203 gives the same sequence; the c. name uses the placement nearest the transcript's 3' end. VCF-style (leftmost placement, unchanged base first): chr14-69779197-AAG-A. GRCh37 (hg19) VCF-style: chr14-70245914-AAG-A.
Other names: short protein forms F244fs.
Identifiers: ClinVar variation 4979324 (VCV004979324.1).